The following is an entry in ClinVar:

NM_001159699.2(FHL1):c.349T>C (p.Cys117Arg)

Gene: FHL1 (four and a half LIM domains 1; plus strand). Cytogenetic location: Xq26.3.
Variant type: single nucleotide variant.
Coding change: c.349T>C on transcript NM_001159699.2 (MANE Select); coding-DNA position 349, T replaced by C.
Protein change: p.Cys117Arg; replaces cysteine 117 with arginine.
Molecular consequence: missense variant. On other transcripts: non-coding transcript variant (1).
Genome position (GRCh38, 1-based): chrX:136,207,160, T>C. VCF-style: chrX-136207160-T-C. GRCh37 (hg19) VCF-style: chrX-135289319-T-C.
Other names: c.301T>C, p.Cys101Arg (NM_001159700.2, NM_001159702.3, NM_001159703.2 and 9 more transcripts); c.388T>C, p.Cys130Arg (NM_001159701.2); c.349T>C, p.Cys117Arg (NM_001330659.2); short protein forms C101R, C117R, C130R.
Identifiers: ClinVar variation 935026 (VCV000935026.11), dbSNP rs2073864792, ClinGen allele CA414608206.

ClinVar aggregate classification (germline): Pathogenic (1 of 4 stars; one submission).

Conditions:
X-linked myopathy with postural muscle atrophy. Also called: FHL1-Related Emery-Dreifuss Muscular Dystrophy, X-Linked. Identifiers: Orphanet 178461, MedGen C2678055, MONDO:0010401, OMIM 300696.

Submission:

Labcorp Genetics (formerly Invitae), Labcorp
Classification: Pathogenic for X-linked myopathy with postural muscle atrophy. Last evaluated: 2022-12-02. Review status: criteria provided, single submitter. Criteria: Invitae Variant Classification Sherloc (09022015). Collection method: clinical testing. Allele origin: germline.
Comment: Algorithms developed to predict the effect of missense changes on protein structure and function (SIFT, PolyPhen-2, Align-GVGD) all suggest that this variant is likely to be disruptive. For these reasons, this variant has been classified as Pathogenic. This variant disrupts the p.Cys101 amino acid residue in FHL1. Other variant(s) that disrupt this residue have been observed in individuals with FHL1-related conditions (PMID: 19171836), which suggests that this may be a clinically significant amino acid residue. ClinVar contains an entry for this variant (Variation ID: 935026). This variant is also known as p.Cys100Arg. This missense change has been observed in individual(s) with FHL1-related disease and reducing body myopathy (PMID: 28694073; Invitae). In at least one individual the variant was observed to be de novo. This variant is not present in population databases (gnomAD no frequency). This sequence change replaces cysteine, which is neutral and slightly polar, with arginine, which is basic and polar, at codon 101 of the FHL1 protein (p.Cys101Arg).

Literature cited by the submitters: PubMed 19171836; PubMed 28694073.